The following is an entry in ClinVar:

NM_001807.6(CEL):c.1493A>C (p.Asn498Thr)

Gene: CEL (carboxyl ester lipase; plus strand). Cytogenetic location: 9q34.13.
Variant type: single nucleotide variant.
Coding change: c.1493A>C on transcript NM_001807.6 (MANE Select); coding-DNA position 1493, A replaced by C.
Protein change: p.Asn498Thr; replaces asparagine 498 with threonine.
Molecular consequence: missense variant.
Genome position (GRCh38, 1-based): chr9:133,070,995, A>C. VCF-style: chr9-133070995-A-C. GRCh37 (hg19) VCF-style: chr9-135946382-A-C.
Other names: short protein forms N498T.
Identifiers: ClinVar variation 3343844 (VCV003343844.2).

ClinVar aggregate classification (germline): Uncertain significance (1 of 4 stars; one submission).

gnomAD v4.1: 21 of 1,613,478 alleles (0.0013%); highest among the groups gnomAD compares: Non-Finnish European, 0.0017%; no homozygotes.

Submission:

GeneDx
Classification: Uncertain significance. Last evaluated: 2025-06-10. Review status: criteria provided, single submitter. Criteria: GeneDx Variant Classification Process June 2021. Collection method: clinical testing. Allele origin: germline.
Comment: Not observed at significant frequency in large population cohorts (gnomAD); In silico analysis supports that this missense variant has a deleterious effect on protein structure/function; This variant is associated with the following publications: (PMID: 32041611)